The following is an entry in ClinVar:

ClinVar aggregate classification (germline): Uncertain significance (1 of 4 stars; one submission).

Conditions:
Familial Mediterranean fever (FMF). Also called: POLYSEROSITIS, FAMILIAL PAROXYSMAL; POLYSEROSITIS, RECURRENT; Periodic peritonitis; Benign paroxysmal peritonitis. Identifiers: Orphanet 342, MedGen C0031069, MONDO:0018088, OMIM 249100. Disease mechanism: gain of function.

Submission:

Labcorp Genetics (formerly Invitae), Labcorp
Classification: Uncertain significance for Familial Mediterranean fever. Last evaluated: 2025-12-03. Review status: criteria provided, single submitter. Criteria: Invitae Variant Classification Sherloc (09022015). Collection method: clinical testing. Allele origin: germline.
Comment: This sequence change creates a premature translational stop signal (p.Gln383*) in the MEFV gene. It is expected to result in an absent or disrupted protein product. However, the current clinical and genetic evidence is not sufficient to establish whether loss-of-function variants in MEFV cause disease. This variant is not present in population databases (gnomAD no frequency). This variant has not been reported in the literature in individuals affected with MEFV-related conditions. In summary, the available evidence is currently insufficient to determine the role of this variant in disease. Therefore, it has been classified as a Variant of Uncertain Significance.

NM_000243.3(MEFV):c.1147C>T (p.Gln383Ter)

Gene: MEFV (MEFV innate immunity regulator, pyrin; minus strand). Cytogenetic location: 16p13.3.
Variant type: single nucleotide variant.
Coding change: c.1147C>T on transcript NM_000243.3 (MANE Select); coding-DNA position 1147, C replaced by T.
Protein change: p.Gln383Ter; replaces glutamine 383 with a stop codon.
Molecular consequence: nonsense.
Genome position (GRCh38, 1-based): chr16:3,249,544, G>A on the plus strand (C>T on the coding strand, the complement: MEFV is on the minus strand). VCF-style: chr16-3249544-G-A. GRCh37 (hg19) VCF-style: chr16-3299544-G-A.
Other names: c.514C>T, p.Gln172Ter (NM_001198536.2); short protein forms Q172*, Q383*.
Identifiers: ClinVar variation 4796979 (VCV004796979.1).